The following is an entry in ClinVar:

ClinVar aggregate classification (germline): Uncertain significance (1 of 4 stars; one submission).

Conditions:
Cardiovascular phenotype. Identifiers: MedGen CN230736.

gnomAD v4.1: 1 of 1,445,786 alleles (0.000069%); highest among the groups gnomAD compares: Non-Finnish European, 0.00009%; no homozygotes.

Submission:

Ambry Genetics
Classification: Uncertain significance for Cardiovascular phenotype. Last evaluated: 2022-06-01. Review status: criteria provided, single submitter. Criteria: Ambry Variant Classification Scheme 2023. Collection method: clinical testing. Allele origin: germline.
Comment: The p.A163S variant (also known as c.487G>T), located in coding exon 1 of the HCN4 gene, results from a G to T substitution at nucleotide position 487. The alanine at codon 163 is replaced by serine, an amino acid with similar properties. This amino acid position is conserved. In addition, this alteration is predicted to be tolerated by in silico analysis. Since supporting evidence is limited at this time, the clinical significance of this alteration remains unclear.

NM_005477.3(HCN4):c.487G>T (p.Ala163Ser)

Gene: HCN4 (hyperpolarization activated cyclic nucleotide gated potassium channel 4; minus strand). Cytogenetic location: 15q24.1.
Variant type: single nucleotide variant.
Coding change: c.487G>T on transcript NM_005477.3 (MANE Select); coding-DNA position 487, G replaced by T.
Protein change: p.Ala163Ser; replaces alanine 163 with serine.
Molecular consequence: missense variant.
Genome position (GRCh38, 1-based): chr15:73,367,784, C>A on the plus strand (G>T on the coding strand, the complement: HCN4 is on the minus strand). VCF-style: chr15-73367784-C-A. GRCh37 (hg19) VCF-style: chr15-73660125-C-A.
Other names: short protein forms A163S.
Identifiers: ClinVar variation 1743782 (VCV001743782.2), dbSNP rs2549080315, ClinGen allele CA393097871.